The following is an entry in ClinVar:

ClinVar aggregate classification (germline): Uncertain significance (1 of 4 stars; one submission).

Conditions:
3-methylcrotonyl-CoA carboxylase 1 deficiency (MCC1D). Also called: MCCD TYPE 1; METHYLCROTONYLGLYCINURIA TYPE I; MCC 1 deficiency; 3 Alpha methylcrotonylglycinuria 1. Identifiers: Orphanet 6, MedGen CN028786, MONDO:0008861, OMIM 210200.

Submission:

Baylor Genetics
Classification: Uncertain significance for 3-methylcrotonyl-CoA carboxylase 1 deficiency. Last evaluated: 2020-05-05. Review status: criteria provided, single submitter. Criteria: ACMG Guidelines, 2015. Collection method: clinical testing. Allele origin: unknown. Affected: yes.
Comment: This variant was determined to be of uncertain significance according to ACMG Guidelines, 2015 [PMID:25741868].

NM_020166.5(MCCC1):c.310C>A (p.Gln104Lys)

Gene: MCCC1 (methylcrotonyl-CoA carboxylase subunit 1; minus strand). Cytogenetic location: 3q27.1.
Variant type: single nucleotide variant.
Coding change: c.310C>A on transcript NM_020166.5 (MANE Select); coding-DNA position 310, C replaced by A.
Protein change: p.Gln104Lys; replaces glutamine 104 with lysine.
Molecular consequence: missense variant. On other transcripts: synonymous variant (1), 5 prime UTR variant (1), non-coding transcript variant (1).
Genome position (GRCh38, 1-based): chr3:183,086,752, G>T on the plus strand (C>A on the coding strand, the complement: MCCC1 is on the minus strand). VCF-style: chr3-183086752-G-T. GRCh37 (hg19) VCF-style: chr3-182804540-G-T.
Other names: c.81C>A, p.Pro27= (NM_001293273.2); c.-18C>A (NM_001363880.1); short protein forms Q104K.
Identifiers: ClinVar variation 1029739 (VCV001029739.1), dbSNP rs1177891822, ClinGen allele CA355319494.